The following is an entry in ClinVar:

ClinVar aggregate classification (germline): Pathogenic (1 of 4 stars; one submission).

Submission:

Labcorp Genetics (formerly Invitae), Labcorp
Classification: Pathogenic. Last evaluated: 2026-01-26. Review status: criteria provided, single submitter. Criteria: Invitae Variant Classification Sherloc (09022015). Collection method: clinical testing. Allele origin: germline.
Comment: This sequence change creates a premature translational stop signal (p.Pro287Argfs*69) in the FOXL2 gene. While this is not anticipated to result in nonsense mediated decay, it is expected to disrupt the last 90 amino acid(s) of the FOXL2 protein. The frequency data for this variant in the population databases is considered unreliable, as metrics indicate insufficient coverage at this position in the gnomAD database. This premature translational stop signal has been observed in individual(s) with blepharophimosis, ptosis, and epicanthus inversus syndrome (PMID: 21325395). In at least one individual the variant was observed to be de novo. ClinVar contains an entry for this variant (Variation ID: 2203450). This variant disrupts a region of the FOXL2 protein in which other variant(s) (p.Pro307Hisfs*52) have been determined to be pathogenic (PMID: 11468277). This suggests that this is a clinically significant region of the protein, and that variants that disrupt it are likely to be disease-causing. For these reasons, this variant has been classified as Pathogenic.

Literature cited by the submitters: PubMed 21325395; PubMed 11468277.

NM_023067.4(FOXL2):c.860del (p.Pro287fs)

Gene: FOXL2 (forkhead box L2; minus strand). Cytogenetic location: 3q22.3.
Variant type: Deletion.
Coding change: c.860del on transcript NM_023067.4 (MANE Select); coding-DNA position 860, one base deleted (C; older notation c.860delC).
Protein change: p.Pro287fs; shifts the reading frame from proline 287.
Molecular consequence: frameshift variant.
Genome position (GRCh38, 1-based): chr3:138,945,863, G deleted on the plus strand (C on the coding strand, the reverse complement: FOXL2 is on the minus strand); the first of 2 consecutive G bases (chr3:138,945,863-138,945,864); deleting either gives the same sequence. VCF-style (leftmost placement, unchanged base first): chr3-138945862-CG-C. GRCh37 (hg19) VCF-style: chr3-138664704-CG-C.
Other names: short protein forms P287fs.
Identifiers: ClinVar variation 2203450 (VCV002203450.4), dbSNP rs2473812089, ClinGen allele CA2580068842.